The following is an entry in ClinVar:

ClinVar aggregate classification (germline): Uncertain significance. Review status: criteria provided, multiple submitters, no conflicts (2 of 4 stars). 2 submissions from 2 submitters: Uncertain significance (2). Last evaluated 2023-01-06.

Conditions:
Inborn genetic diseases. Identifiers: MedGen C0950123, MeSH D030342.

Allele frequency attached by ClinVar (database versions not stated): gnomAD 0.00001; TOPMed 0.00002; ESP Exome Variant Server 0.00008.
gnomAD v4.1: 21 of 1,609,184 alleles (0.0013%); highest among the groups gnomAD compares: Admixed American, 0.0033%; no homozygotes.

Submissions (2):

Ambry Genetics
Classification: Uncertain significance for Inborn genetic diseases. Last evaluated: 2023-01-06. Review status: criteria provided, single submitter. Criteria: Ambry Variant Classification Scheme 2023. Collection method: clinical testing. Allele origin: germline.

Labcorp Genetics (formerly Invitae), Labcorp
Classification: Uncertain significance. Last evaluated: 2022-08-17. Review status: criteria provided, single submitter. Criteria: Invitae Variant Classification Sherloc (09022015). Collection method: clinical testing. Allele origin: germline.
Comment: In summary, the available evidence is currently insufficient to determine the role of this variant in disease. Therefore, it has been classified as a Variant of Uncertain Significance. Algorithms developed to predict the effect of missense changes on protein structure and function are either unavailable or do not agree on the potential impact of this missense change (SIFT: "Tolerated"; PolyPhen-2: "Possibly Damaging"; Align-GVGD: "Class C0"). This variant has not been reported in the literature in individuals affected with GHRHR-related conditions. This variant is present in population databases (rs149678088, gnomAD 0.004%). This sequence change replaces alanine, which is neutral and non-polar, with threonine, which is neutral and polar, at codon 271 of the GHRHR protein (p.Ala271Thr).

NM_000823.4(GHRHR):c.811G>A (p.Ala271Thr)

Gene: GHRHR (growth hormone releasing hormone receptor; plus strand). Cytogenetic location: 7p14.3.
Variant type: single nucleotide variant.
Coding change: c.811G>A on transcript NM_000823.4 (MANE Select); coding-DNA position 811, G replaced by A.
Protein change: p.Ala271Thr; replaces alanine 271 with threonine.
Molecular consequence: missense variant.
Genome position (GRCh38, 1-based): chr7:30,974,488, G>A. VCF-style: chr7-30974488-G-A. GRCh37 (hg19) VCF-style: chr7-31014103-G-A.
Other names: c.811G>A (NM_000823.3); short protein forms A271T.
Identifiers: ClinVar variation 2159141 (VCV002159141.5), dbSNP rs149678088, ClinGen allele CA4208658.
Genomic context (GRCh38, chr7:30,974,488, plus strand): 5'-GGGCTGCCCGTGCTCTTCACTGGCACGTGGGTGAGCTGCAAACTGGCCTTCGAGGACATC[G>A]CGTGAGTCGGAGCGGCCACCTTGTCATACCCGCTGGTCCTACATGGGGTGTGGAGTGGAC-3'
Protein context (NP_000814.2, residues 261-281): VSCKLAFEDI[Ala271Thr]CWDLDDTSPY